The following is an entry in ClinVar:

ClinVar aggregate classification (germline): Likely benign. Review status: criteria provided, multiple submitters, no conflicts (2 of 4 stars). 7 submissions from 7 submitters: Likely benign (4). 3 of the submissions do not count toward it. Last evaluated 2026-08-01.

Conditions:
Polycystic kidney disease, adult type (PKD1). Also called: POLYCYSTIC KIDNEY DISEASE 1 WITH OR WITHOUT POLYCYSTIC LIVER DISEASE; Polycystic Kidney Disease 1, Autosomal Dominant; Polycystic kidney disease 1; Polycystic kidney disease 1, severe; POLYCYSTIC KIDNEY DISEASE, ADULT, TYPE I; Polycystic Kidney, Autosomal Dominant. Identifiers: MedGen C3149841, MONDO:0008263, OMIM 173900.
PKD1-related disorder. Also called: PKD1-related condition.

Allele frequency attached by ClinVar (database versions not stated): gnomAD exomes 0.00008 and 0.00011; ExAC 0.00009; gnomAD 0.00011; TOPMed 0.00011; ESP Exome Variant Server 0.00023.
gnomAD v4.1: 137 of 1,609,920 alleles (0.0085%); highest among the groups gnomAD compares: Middle Eastern, 0.067%; no homozygotes.

Submissions (7):

CeGaT Center for Human Genetics Tuebingen
Classification: Likely benign. Last evaluated: 2026-08-01. Review status: criteria provided, single submitter. Criteria: CeGaT Center For Human Genetics Tuebingen Variant Classification Criteria Version 2. Collection method: clinical testing. Allele origin: germline. Affected: yes. Observed: 4 variant alleles.
Comment: PKD1: BP4, BP7

Blueprint Genetics
Classification: Likely benign. Last evaluated: 2024-09-09. Review status: criteria provided, single submitter. Criteria: ACMG Guidelines, 2015. Collection method: clinical testing. Allele origin: germline.

Department of Pathology and Laboratory Medicine, Sinai Health System
Classification: Likely benign for Polycystic kidney disease, adult type. Last evaluated: 2024-08-15. Review status: criteria provided, single submitter. Criteria: ACMG Guidelines, 2015. Collection method: clinical testing. Allele origin: germline.

Athena Diagnostics
Classification: Likely benign. Last evaluated: 2017-11-13. Review status: criteria provided, single submitter. Criteria: Athena Diagnostics Criteria. Collection method: clinical testing. Allele origin: germline.

PreventionGenetics, part of Exact Sciences
Classification: Likely benign for PKD1-related condition. Last evaluated: 2019-09-19. Review status: no assertion criteria provided. Collection method: clinical testing. Allele origin: germline. Not counted in ClinVar's aggregate classification.
Comment: This variant is classified as likely benign based on ACMG/AMP sequence variant interpretation guidelines (Richards et al. 2015 PMID: 25741868, with internal and published modifications).

Clinical Genetics DNA and cytogenetics Diagnostics Lab, Erasmus MC, Erasmus Medical Center
Classification: Likely benign. Review status: no assertion criteria provided. Collection method: clinical testing. Allele origin: germline. Affected: yes. Study: VKGL Data-share Consensus. Not counted in ClinVar's aggregate classification.

Genome Diagnostics Laboratory, University Medical Center Utrecht
Classification: Likely benign. Review status: no assertion criteria provided. Collection method: clinical testing. Allele origin: germline. Affected: yes. Study: VKGL Data-share Consensus. Not counted in ClinVar's aggregate classification.

NM_001009944.3(PKD1):c.7605C>T (p.Tyr2535=)

Gene: PKD1 (polycystin 1, transient receptor potential channel interacting; minus strand). Cytogenetic location: 16p13.3.
Variant type: single nucleotide variant.
Coding change: c.7605C>T on transcript NM_001009944.3 (MANE Select); coding-DNA position 7605, C replaced by T.
Protein change: p.Tyr2535=; no amino-acid change (tyrosine 2535 retained).
Molecular consequence: synonymous variant.
Genome position (GRCh38, 1-based): chr16:2,106,189, G>A on the plus strand (C>T on the coding strand, the complement: PKD1 is on the minus strand). VCF-style: chr16-2106189-G-A. GRCh37 (hg19) VCF-style: chr16-2156190-G-A.
Other names: c.7605C>T, p.Tyr2535= (NM_000296.4); c.7605C>T (NM_001009944.2).
Identifiers: ClinVar variation 586297 (VCV000586297.31), dbSNP rs146363575, ClinGen allele CA7831013.